The following is an entry in ClinVar:

NM_031935.3(HMCN1):c.15335C>A (p.Ala5112Glu)

Gene: HMCN1 (hemicentin 1; plus strand). Cytogenetic location: 1q31.1.
Variant type: single nucleotide variant.
Coding change: c.15335C>A on transcript NM_031935.3 (MANE Select); coding-DNA position 15335, C replaced by A.
Protein change: p.Ala5112Glu; replaces alanine 5112 with glutamic acid.
Molecular consequence: missense variant.
Genome position (GRCh38, 1-based): chr1:186,166,199, C>A. VCF-style: chr1-186166199-C-A. GRCh37 (hg19) VCF-style: chr1-186135331-C-A.
Other names: short protein forms A5112E.
Identifiers: ClinVar variation 2974091 (VCV002974091.3), dbSNP rs775430419, ClinGen allele CA33496374.

ClinVar aggregate classification (germline): Uncertain significance (1 of 4 stars; one submission).

Allele frequency attached by ClinVar (database versions not stated): gnomAD 0.00001.
gnomAD v4.1: 10 of 1,613,802 alleles (0.00062%); highest among the groups gnomAD compares: Non-Finnish European, 0.00076%; no homozygotes.

Submission:

Labcorp Genetics (formerly Invitae), Labcorp
Classification: Uncertain significance. Last evaluated: 2023-12-12. Review status: criteria provided, single submitter. Criteria: Invitae Variant Classification Sherloc (09022015). Collection method: clinical testing. Allele origin: germline.
Comment: This sequence change replaces alanine, which is neutral and non-polar, with glutamic acid, which is acidic and polar, at codon 5112 of the HMCN1 protein (p.Ala5112Glu). This variant is present in population databases (no rsID available, gnomAD 0.002%). This variant has not been reported in the literature in individuals affected with HMCN1-related conditions. An algorithm developed to predict the effect of missense changes on protein structure and function (PolyPhen-2) suggests that this variant is likely to be tolerated. In summary, the available evidence is currently insufficient to determine the role of this variant in disease. Therefore, it has been classified as a Variant of Uncertain Significance.